The following is an entry in ClinVar:

ClinVar aggregate classification (germline): Conflicting classifications of pathogenicity. Review status: criteria provided, conflicting classifications (1 of 4 stars). 2 submissions from 2 submitters: Uncertain significance (1); Likely benign (1). Last evaluated 2026-01-12.

Conditions:
Inborn genetic diseases. Identifiers: MedGen C0950123, MeSH D030342.
Fibrous dysplasia of jaw (CRBM). Also called: Cherubism. Identifiers: Orphanet 184, MedGen C0008029, MONDO:0007315, OMIM 118400.

gnomAD v4.1: 4 of 1,597,510 alleles (0.00025%); highest among the groups gnomAD compares: East Asian, 0.0045%; no homozygotes.

Submissions (2):

Labcorp Genetics (formerly Invitae), Labcorp
Classification: Uncertain significance for Fibrous dysplasia of jaw. Last evaluated: 2026-01-12. Review status: criteria provided, single submitter. Criteria: Invitae Variant Classification Sherloc (09022015). Collection method: clinical testing. Allele origin: germline.
Comment: This sequence change replaces aspartic acid, which is acidic and polar, with glutamic acid, which is acidic and polar, at codon 177 of the SH3BP2 protein (p.Asp177Glu). The frequency data for this variant in the population databases is considered unreliable, as metrics indicate poor data quality at this position in the gnomAD database. This variant has not been reported in the literature in individuals affected with SH3BP2-related conditions. ClinVar contains an entry for this variant (Variation ID: 3795340). Invitae Evidence Modeling of protein sequence and biophysical properties (such as structural, functional, and spatial information, amino acid conservation, physicochemical variation, residue mobility, and thermodynamic stability) indicates that this missense variant is not expected to disrupt SH3BP2 protein function with a negative predictive value of 80%. In summary, the available evidence is currently insufficient to determine the role of this variant in disease. Therefore, it has been classified as a Variant of Uncertain Significance.

Ambry Genetics
Classification: Likely benign for Inborn genetic diseases. Last evaluated: 2024-12-24. Review status: criteria provided, single submitter. Criteria: Ambry Variant Classification Scheme 2023. Collection method: clinical testing. Allele origin: germline.

NM_001122681.2(SH3BP2):c.531C>A (p.Asp177Glu)

Gene: SH3BP2 (SH3 domain binding protein 2; plus strand). Cytogenetic location: 4p16.3.
Variant type: single nucleotide variant.
Coding change: c.531C>A on transcript NM_001122681.2 (MANE Select); coding-DNA position 531, C replaced by A.
Protein change: p.Asp177Glu; replaces aspartic acid 177 with glutamic acid.
Molecular consequence: missense variant.
Genome position (GRCh38, 1-based): chr4:2,827,619, C>A. VCF-style: chr4-2827619-C-A. GRCh37 (hg19) VCF-style: chr4-2829346-C-A.
Other names: c.615C>A, p.Asp205Glu (NM_001145855.2); c.702C>A, p.Asp234Glu (NM_001145856.2); c.531C>A, p.Asp177Glu (NM_003023.4); short protein forms D205E, D234E, D177E.
Identifiers: ClinVar variation 3795340 (VCV003795340.2).